The following is an entry in ClinVar:

NM_001330691.3(CEP78):c.1488T>A (p.Asn496Lys)

Gene: CEP78 (centrosomal protein 78; plus strand). Cytogenetic location: 9q21.2.
Variant type: single nucleotide variant.
Coding change: c.1488T>A on transcript NM_001330691.3 (MANE Select); coding-DNA position 1488, T replaced by A.
Protein change: p.Asn496Lys; replaces asparagine 496 with lysine.
Molecular consequence: missense variant.
Genome position (GRCh38, 1-based): chr9:78,264,179, T>A. VCF-style: chr9-78264179-T-A. GRCh37 (hg19) VCF-style: chr9-80879095-T-A.
Other names: c.1491T>A (NM_001098802.1); c.1491T>A, p.Asn497Lys (NM_001098802.3, NM_001349839.2, NM_001349840.2 and 1 more transcripts); c.1488T>A, p.Asn496Lys (NM_001330693.3, NM_001330694.2, NM_001349838.2); short protein forms N496K, N497K.
Identifiers: ClinVar variation 1056801 (VCV001056801.9), dbSNP rs771426273, ClinGen allele CA5095277.
Genomic context (GRCh38, chr9:78,264,179, plus strand): 5'-CATGTCACACATTTTCAATCTTCTTTTATAGCTGGAACATGAAAATGCCCAGTTAAGAAA[T>A]ATAAATTTCTCTTTGTCTGAAGCCCTTCATGCACAGTCATTGACAAATATGATCCTGGAT-3'
Protein context (NP_001317620.1, residues 486-506): ELEHENAQLR[Asn496Lys]INFSLSEALH

ClinVar aggregate classification (germline): Uncertain significance. Review status: criteria provided, multiple submitters, no conflicts (2 of 4 stars). 3 submissions from 3 submitters: Uncertain significance (3). Last evaluated 2025-12-17.

Conditions:
CEP78-related disorder. Also called: CEP78-related condition.
Inborn genetic diseases. Identifiers: MedGen C0950123, MeSH D030342.

Allele frequency attached by ClinVar (database versions not stated): TOPMed 0.00004; gnomAD 0.00009; gnomAD exomes 0.00013; ExAC 0.00020.
gnomAD v4.1: 84 of 1,494,810 alleles (0.0056%); highest among the groups gnomAD compares: East Asian, 0.0025%; no homozygotes.

Submissions (3):

PreventionGenetics, part of Exact Sciences
Classification: Uncertain significance for CEP78-related condition. Last evaluated: 2025-12-17. Review status: criteria provided, single submitter. Criteria: ACMG Guidelines, 2015. Collection method: clinical testing. Allele origin: germline.
Comment: The CEP78 c.1491T>A variant is predicted to result in the amino acid substitution p.Asn497Lys. To our knowledge, this variant has not been reported in the literature. This variant is reported in 0.074% of alleles in individuals of European (Finnish) descent in gnomAD. Although we suspect that this variant may be benign, at this time, the clinical significance of this variant is uncertain due to the absence of conclusive functional and genetic evidence.

Ambry Genetics
Classification: Uncertain significance for Inborn genetic diseases. Last evaluated: 2023-08-04. Review status: criteria provided, single submitter. Criteria: Ambry Variant Classification Scheme 2023. Collection method: clinical testing. Allele origin: germline.

Labcorp Genetics (formerly Invitae), Labcorp
Classification: Uncertain significance. Last evaluated: 2023-04-24. Review status: criteria provided, single submitter. Criteria: Invitae Variant Classification Sherloc (09022015). Collection method: clinical testing. Allele origin: germline.
Comment: This sequence change replaces asparagine, which is neutral and polar, with lysine, which is basic and polar, at codon 497 of the CEP78 protein (p.Asn497Lys). This variant is present in population databases (rs771426273, gnomAD 0.07%). This variant has not been reported in the literature in individuals affected with CEP78-related conditions. ClinVar contains an entry for this variant (Variation ID: 1056801). Advanced modeling of protein sequence and biophysical properties (such as structural, functional, and spatial information, amino acid conservation, physicochemical variation, residue mobility, and thermodynamic stability) performed at Invitae indicates that this missense variant is not expected to disrupt CEP78 protein function. In summary, the available evidence is currently insufficient to determine the role of this variant in disease. Therefore, it has been classified as a Variant of Uncertain Significance.